The following is an entry in ClinVar:

ClinVar aggregate classification (germline): Pathogenic (1 of 4 stars; one submission).

Conditions:
Dilated cardiomyopathy 1CC (CMD1CC). Identifiers: Orphanet 154, MedGen C2751084, MONDO:0013147, OMIM 613122.
Hypertrophic cardiomyopathy 20. Identifiers: MedGen C3151267, MONDO:0013477, OMIM 613876.

Submission:

Labcorp Genetics (formerly Invitae), Labcorp
Classification: Pathogenic for Dilated cardiomyopathy 1CC; Hypertrophic cardiomyopathy 20. Last evaluated: 2026-01-15. Review status: criteria provided, single submitter. Criteria: Invitae Variant Classification Sherloc (09022015). Collection method: clinical testing. Allele origin: germline.
Comment: This sequence change creates a premature translational stop signal (p.Val173Glyfs*7) in the NEXN gene. It is expected to result in an absent or disrupted protein product. Loss-of-function variants in NEXN are known to be pathogenic (PMID: 19881492, 32058062, 32814711, 32870709, 33949776, 38059363, 40680702). This variant is not present in population databases (gnomAD no frequency). This premature translational stop signal has been observed in individual(s) with cardiomyopathy (PMID: 35653365). Algorithms developed to predict the effect of sequence changes on RNA splicing suggest that this variant may disrupt the consensus splice site. For these reasons, this variant has been classified as Pathogenic.

Literature cited by the submitters: PubMed 19881492; PubMed 32058062; PubMed 32814711; PubMed 32870709; PubMed 33949776; PubMed 38059363; PubMed 40680702; PubMed 35653365.

NM_144573.4(NEXN):c.518_519del (p.Val173fs)

Gene: NEXN (nexilin F-actin binding protein; plus strand). Cytogenetic location: 1p31.1.
Variant type: Microsatellite.
Coding change: c.518_519del on transcript NM_144573.4 (MANE Select); coding-DNA positions 518 to 519, 2 bases deleted (TG; older notation c.518_519delTG).
Protein change: p.Val173fs; shifts the reading frame from valine 173.
Molecular consequence: frameshift variant.
Genome position (GRCh38, 1-based): chr1:77,926,442-77,926,443, TG deleted; deleting any 2 consecutive bases within chr1:77,926,440-77,926,443 gives the same sequence; the c. name uses the placement nearest the transcript's 3' end. VCF-style (leftmost placement, unchanged base first): chr1-77926439-CTG-C. GRCh37 (hg19) VCF-style: chr1-78392124-CTG-C.
Other names: c.326_327del, p.Val109fs (NM_001172309.2); short protein forms V109fs, V173fs.
Identifiers: ClinVar variation 3751520 (VCV003751520.2).
Genomic context (GRCh38, chr1:77,926,439, plus strand): 5'-GAAGAAATAGGCTAATTATCTATTTTATAAAATAGGAAGGAGATGATTCACTACTTATAA[CTG>C]TGGTACCTGTCAAATCATATAAAACATCTGGAAAAATGAAAAAGAATTTTGAGGATCTAG-3'